The following is an entry in ClinVar:

NM_004727.3(SLC24A1):c.2003G>A (p.Arg668His)

Gene: SLC24A1 (solute carrier family 24 member 1; plus strand). Cytogenetic location: 15q22.31.
Variant type: single nucleotide variant.
Coding change: c.2003G>A on transcript NM_004727.3 (MANE Select); coding-DNA position 2003, G replaced by A.
Protein change: p.Arg668His; replaces arginine 668 with histidine.
Molecular consequence: missense variant.
Genome position (GRCh38, 1-based): chr15:65,639,653, G>A. VCF-style: chr15-65639653-G-A. GRCh37 (hg19) VCF-style: chr15-65931991-G-A.
Other names: c.2003G>A (NM_004727.2); c.2003G>A, p.Arg668His (NM_001301031.1); c.1949G>A, p.Arg650His (NM_001301032.1, NM_001301033.2); short protein forms R650H, R668H.
Identifiers: ClinVar variation 1908162 (VCV001908162.6), dbSNP rs772498133, ClinGen allele CA7620055.

ClinVar aggregate classification (germline): Uncertain significance. Review status: criteria provided, multiple submitters, no conflicts (2 of 4 stars). 2 submissions from 2 submitters: Uncertain significance (2). Last evaluated 2025-04-13.

Conditions:
Inborn genetic diseases. Identifiers: MedGen C0950123, MeSH D030342.

Allele frequency attached by ClinVar (database versions not stated): gnomAD exomes below 0.00001; gnomAD 0.00001; TOPMed 0.00001; ExAC 0.00002.
gnomAD v4.1: 5 of 1,612,894 alleles (0.00031%); highest among the groups gnomAD compares: Admixed American, 0.0067%; no homozygotes.

Submissions (2):

Ambry Genetics
Classification: Uncertain significance for Inborn genetic diseases. Last evaluated: 2025-04-13. Review status: criteria provided, single submitter. Criteria: Ambry Variant Classification Scheme 2023. Collection method: clinical testing. Allele origin: germline.

Labcorp Genetics (formerly Invitae), Labcorp
Classification: Uncertain significance. Last evaluated: 2022-03-09. Review status: criteria provided, single submitter. Criteria: Invitae Variant Classification Sherloc (09022015). Collection method: clinical testing. Allele origin: germline.
Comment: The frequency data for this variant in the population databases is considered unreliable, as metrics indicate poor data quality at this position in the gnomAD database. In summary, the available evidence is currently insufficient to determine the role of this variant in disease. Therefore, it has been classified as a Variant of Uncertain Significance. Algorithms developed to predict the effect of missense changes on protein structure and function are either unavailable or do not agree on the potential impact of this missense change (SIFT: "Deleterious"; PolyPhen-2: "Benign"; Align-GVGD: "Class C25"). This variant has not been reported in the literature in individuals affected with SLC24A1-related conditions. This sequence change replaces arginine, which is basic and polar, with histidine, which is basic and polar, at codon 668 of the SLC24A1 protein (p.Arg668His).